The following is an entry in ClinVar:

NM_001384474.1(LOXHD1):c.3682del (p.Ile1228fs)

Gene: LOXHD1 (lipoxygenase homology PLAT domains 1; minus strand). Cytogenetic location: 18q21.1.
Variant type: Deletion.
Coding change: c.3682del on transcript NM_001384474.1 (MANE Select); coding-DNA position 3682, one base deleted (A; older notation c.3682delA).
Protein change: p.Ile1228fs; shifts the reading frame from isoleucine 1228.
Molecular consequence: frameshift variant.
Genome position (GRCh38, 1-based): chr18:46,542,793, T deleted on the plus strand (A on the coding strand, the reverse complement: LOXHD1 is on the minus strand); the first of 3 consecutive T bases (chr18:46,542,793-46,542,795); deleting any one gives the same sequence. VCF-style (leftmost placement, unchanged base first): chr18-46542792-AT-A. GRCh37 (hg19) VCF-style: chr18-44122755-AT-A.
Other names: c.349del, p.Ile117fs (NM_001145472.3); c.61del, p.Ile21fs (NM_001308013.2); c.3682del, p.Ile1228fs (NM_144612.7); short protein forms I117fs, I1228fs, I21fs.
Identifiers: ClinVar variation 3601202 (VCV003601202.1).
Genomic context (GRCh38, chr18:46,542,792, plus strand): 5'-TTGTCATGGCCAAGCCGGACTTTCCACAGGTCTCCCAGATCCAGCGTCTCCACCGTGAAG[AT>A]TTCAATGCTGTCCCTCTCAAACTTATCGCTGTTTGTCTTGGAGGACTTCAGGAGGGTCAT-3'

ClinVar aggregate classification (germline): Likely pathogenic (1 of 4 stars; one submission).

Conditions:
Autosomal recessive nonsyndromic hearing loss 77. Identifiers: Orphanet 90636, MedGen C2746083, MONDO:0013119, OMIM 613079.

Submission:

Institute of Rare Diseases, West China Hospital, Sichuan University
Classification: Likely pathogenic for Autosomal recessive nonsyndromic hearing loss 77. Last evaluated: 2025-01-09. Review status: criteria provided, single submitter. Criteria: ClinGen HL ACMG Specifications v1. Collection method: research. Allele origin: germline. Affected: yes.
Comment: PVS1;PM2_Supporting